The following is an entry in ClinVar:

ClinVar aggregate classification (germline): Uncertain significance (1 of 4 stars; one submission).

Conditions:
Cardiomyopathy (CMYO). Also called: Cardiomyopathies. Identifiers: Orphanet 167848, MedGen C0878544, MONDO:0004994, HP:0001638. Inheritance: Various modes of inheritance.

gnomAD v4.1: 2 of 1,614,138 alleles (0.00012%); highest among the groups gnomAD compares: Non-Finnish European, 0.00017%; no homozygotes.

Submission:

Color Diagnostics, LLC DBA Color Health
Classification: Uncertain significance for Cardiomyopathy. Last evaluated: 2025-05-12. Review status: criteria provided, single submitter. Criteria: ACMG Guidelines, 2015. Collection method: clinical testing. Allele origin: germline.
Comment: This missense variant replaces glycine with cysteine at codon 2322 of the DSP protein. Computational prediction suggests that this variant may have deleterious impact on protein structure and function. To our knowledge, functional studies have not been reported for this variant. This variant has not been reported in individuals affected with DSP-related disorders in the literature. This variant has not been identified in the general population by the Genome Aggregation Database (gnomAD). The available evidence is insufficient to determine the role of this variant in disease conclusively. Therefore, this variant is classified as a Variant of Uncertain Significance.

NM_004415.4(DSP):c.6964G>T (p.Gly2322Cys)

Gene: DSP (desmoplakin; plus strand). Cytogenetic location: 6p24.3.
Variant type: single nucleotide variant.
Coding change: c.6964G>T on transcript NM_004415.4 (MANE Select); coding-DNA position 6964, G replaced by T.
Protein change: p.Gly2322Cys; replaces glycine 2322 with cysteine.
Molecular consequence: missense variant.
Genome position (GRCh38, 1-based): chr6:7,584,226, G>T. VCF-style: chr6-7584226-G-T. GRCh37 (hg19) VCF-style: chr6-7584459-G-T.
Other names: c.5167G>T, p.Gly1723Cys (NM_001008844.3); c.5635G>T, p.Gly1879Cys (NM_001319034.2); short protein forms G1723C, G1879C, G2322C.
Identifiers: ClinVar variation 4756717 (VCV004756717.1).